The following is an entry in ClinVar:

NM_007194.4(CHEK2):c.569C>G (p.Ala190Gly)

Gene: CHEK2 (checkpoint kinase 2; minus strand). Cytogenetic location: 22q12.1.
Variant type: single nucleotide variant.
Coding change: c.569C>G on transcript NM_007194.4 (MANE Select); coding-DNA position 569, C replaced by G.
Protein change: p.Ala190Gly; replaces alanine 190 with glycine.
Molecular consequence: missense variant. On other transcripts: 5 prime UTR variant (2), intron variant (1).
Genome position (GRCh38, 1-based): chr22:28,725,000, G>C on the plus strand (C>G on the coding strand, the complement: CHEK2 is on the minus strand). VCF-style: chr22-28725000-G-C. GRCh37 (hg19) VCF-style: chr22-29120988-G-C.
Other names: c.698C>G, p.Ala233Gly (NM_001005735.3, NM_001438294.1); c.-209C>G (NM_001257387.3); c.-95C>G (NM_001437942.1); c.662C>G, p.Ala221Gly (NM_001438293.1, NM_001438295.1); c.569C>G, p.Ala190Gly (NM_145862.3); c.445-77C>G (NM_001349956.3); short protein forms A190G, A233G, A221G.
Identifiers: ClinVar variation 954192 (VCV000954192.11), dbSNP rs786203483, ClinGen allele CA411107066.

ClinVar aggregate classification (germline): Uncertain significance. Review status: criteria provided, multiple submitters, no conflicts (2 of 4 stars). 2 submissions from 2 submitters: Uncertain significance (2). Last evaluated 2025-05-23.

Conditions:
Hereditary cancer-predisposing syndrome. Also called: Hereditary neoplastic syndrome; Tumor predisposition; Neoplastic Syndromes, Hereditary; Hereditary Cancer Syndrome. Identifiers: Orphanet 140162, MedGen C0027672, MeSH D009386, MONDO:0015356.
Familial cancer of breast. Also called: hereditary breast carcinoma; Hereditary breast cancer; BREAST CANCER, FAMILIAL. Identifiers: Orphanet 227535, MedGen C0346153, MONDO:0016419, OMIM 114480. Disease mechanism: loss of function.

Submissions (2):

Ambry Genetics
Classification: Uncertain significance for Hereditary cancer-predisposing syndrome. Last evaluated: 2025-05-23. Review status: criteria provided, single submitter. Criteria: Ambry Variant Classification Scheme 2023. Collection method: clinical testing. Allele origin: germline.
Comment: The p.A190G variant (also known as c.569C>G), located in coding exon 3 of the CHEK2 gene, results from a C to G substitution at nucleotide position 569. The alanine at codon 190 is replaced by glycine, an amino acid with similar properties. This amino acid position is conserved. In addition, the in silico prediction for this alteration is inconclusive. Based on the available evidence, the clinical significance of this variant remains unclear.

Labcorp Genetics (formerly Invitae), Labcorp
Classification: Uncertain significance for Familial cancer of breast. Last evaluated: 2023-03-02. Review status: criteria provided, single submitter. Criteria: Invitae Variant Classification Sherloc (09022015). Collection method: clinical testing. Allele origin: germline.
Comment: In summary, the available evidence is currently insufficient to determine the role of this variant in disease. Therefore, it has been classified as a Variant of Uncertain Significance. This sequence change replaces alanine, which is neutral and non-polar, with glycine, which is neutral and non-polar, at codon 190 of the CHEK2 protein (p.Ala190Gly). This variant is not present in population databases (gnomAD no frequency). This variant has not been reported in the literature in individuals affected with CHEK2-related conditions. ClinVar contains an entry for this variant (Variation ID: 954192). An algorithm developed to predict the effect of missense changes on protein structure and function (PolyPhen-2) suggests that this variant is likely to be disruptive.